The following is an entry in ClinVar:

ClinVar aggregate classification (germline): Pathogenic (1 of 4 stars; one submission).

Conditions:
Developmental and epileptic encephalopathy, 9 (DEE9). Also called: PCDH19-Related X-Linked Female-Limited Epilepsy with Mental Retardation; Early infantile epileptic encephalopathy 9; JUBERG-HELLMAN SYNDROME; EPILEPSY, FEMALE-RESTRICTED, WITH MENTAL RETARDATION. Identifiers: Orphanet 101039, Orphanet 2076, MedGen C1848137, MONDO:0010246, OMIM 300088. Disease mechanism: loss of function.

Submission:

Labcorp Genetics (formerly Invitae), Labcorp
Classification: Pathogenic for Developmental and epileptic encephalopathy, 9. Last evaluated: 2023-08-24. Review status: criteria provided, single submitter. Criteria: Invitae Variant Classification Sherloc (09022015). Collection method: clinical testing. Allele origin: germline.
Comment: This premature translational stop signal has been observed in individual(s) with clinical features of developmental and epileptic encephalopathy (PMID: 20713952). This variant is not present in population databases (gnomAD no frequency). This sequence change creates a premature translational stop signal (p.Glu398*) in the PCDH19 gene. It is expected to result in an absent or disrupted protein product. Loss-of-function variants in PCDH19 are known to be pathogenic (PMID: 21053371). For these reasons, this variant has been classified as Pathogenic. ClinVar contains an entry for this variant (Variation ID: 1442802).

Literature cited by the submitters: PubMed 20713952; PubMed 21053371.

NM_001184880.2(PCDH19):c.1192G>T (p.Glu398Ter)

Gene: PCDH19 (protocadherin 19; minus strand). Cytogenetic location: Xq22.1.
Variant type: single nucleotide variant.
Coding change: c.1192G>T on transcript NM_001184880.2 (MANE Select); coding-DNA position 1192, G replaced by T.
Protein change: p.Glu398Ter; replaces glutamic acid 398 with a stop codon.
Molecular consequence: nonsense.
Genome position (GRCh38, 1-based): chrX:100,407,406, C>A on the plus strand (G>T on the coding strand, the complement: PCDH19 is on the minus strand). VCF-style: chrX-100407406-C-A. GRCh37 (hg19) VCF-style: chrX-99662404-C-A.
Other names: c.1192G>T, p.Glu398Ter (NM_001105243.2, NM_020766.3); short protein forms E398*.
Identifiers: ClinVar variation 1442802 (VCV001442802.8), dbSNP rs2147539378, ClinGen allele CA414003767.
Genomic context (GRCh38, chrX:100,407,406, plus strand): 5'-GGTCGTGCTGCTCGCGGTCCAGCCGTCCGTCCACCAGAATAGTGGAGAAGCTCTCATATT[C>A]CTGCAGTCGAAAGGGCACATTGCCCAGCAAACGGCACTGCACACGTCCATTGAGGCCTGA-3'